The following is an entry in ClinVar:

ClinVar aggregate classification (germline): Benign. Review status: reviewed by expert panel (3 of 4 stars). 2 submissions from 2 submitters: Benign (1). 1 of the submissions does not count toward it. Last evaluated 2015-01-12.

Conditions:
Breast-ovarian cancer, familial, susceptibility to, 2 (BROVCA2). Also called: BRCA2 Hereditary Breast and Ovarian Cancer. Identifiers: Orphanet 145, MedGen C2675520, MONDO:0012933, OMIM 612555. Disease mechanism: loss of function.

Allele frequency attached by ClinVar (database versions not stated): gnomAD 0.03692 and 0.04092; TOPMed 0.04226; 1000 Genomes Project 30x 0.07402; 1000 Genomes Project 0.07408.
gnomAD v4.1: 6,231 of 152,206 alleles (4.1%); highest among the groups gnomAD compares: South Asian, 11%; 217 homozygotes.

Submissions (2):

Evidence-based Network for the Interpretation of Germline Mutant Alleles (ENIGMA)
Classification: Benign for Breast-ovarian cancer, familial 2. Last evaluated: 2015-01-12. Review status: reviewed by expert panel. Criteria: ENIGMA BRCA1/2 Classification Criteria (2015). Collection method: curation. Allele origin: germline.
Comment: Class 1 not pathogenic based on frequency >1% in an outbred sampleset. Frequency 0.1049 (Asian), 0.01423 (African), 0.03694 (European), derived from 1000 genomes (2012-04-30).

Breakthrough Genomics
Classification: Benign. Review status: criteria provided, single submitter. Criteria: ACMG Guidelines, 2015. Collection method: not provided. Allele origin: germline. Inheritance: Autosomal recessive inheritance. Affected: yes. Not counted in ClinVar's aggregate classification.

NM_000059.4(BRCA2):c.7007+329T>C

Gene: BRCA2 (BRCA2 DNA repair associated; plus strand). Cytogenetic location: 13q13.1.
Variant type: single nucleotide variant.
Coding change: c.7007+329T>C on transcript NM_000059.4 (MANE Select); 329 bases into the intron after coding-DNA position 7007, T replaced by C.
Molecular consequence: intron variant.
Genome position (GRCh38, 1-based): chr13:32,347,225, T>C. VCF-style: chr13-32347225-T-C. GRCh37 (hg19) VCF-style: chr13-32921362-T-C.
Other names: IVS 13+329T>C.
Identifiers: ClinVar variation 209719 (VCV000209719.2), dbSNP rs11571682, ClinGen allele CA276687.